The following is an entry in ClinVar:

NM_001367721.1(CASK):c.2560G>A (p.Val854Ile)

Gene: CASK (calcium/calmodulin dependent serine protein kinase; minus strand). Cytogenetic location: Xp11.4.
Variant type: single nucleotide variant.
Coding change: c.2560G>A on transcript NM_001367721.1 (MANE Select); coding-DNA position 2560, G replaced by A.
Protein change: p.Val854Ile; replaces valine 854 with isoleucine.
Molecular consequence: missense variant.
Genome position (GRCh38, 1-based): chrX:41,523,995, C>T on the plus strand (G>A on the coding strand, the complement: CASK is on the minus strand). VCF-style: chrX-41523995-C-T. GRCh37 (hg19) VCF-style: chrX-41383248-C-T.
Other names: c.2476G>A, p.Val826Ile (NM_001126054.3); c.2473G>A, p.Val825Ile (NM_001126055.3); c.2542G>A, p.Val848Ile (NM_001410745.1); c.2545G>A, p.Val849Ile (NM_003688.4); short protein forms V848I, V849I, V825I, V826I, V854I.
Identifiers: ClinVar variation 2229537 (VCV002229537.2), dbSNP rs2519663449, ClinGen allele CA412989170.

ClinVar aggregate classification (germline): Uncertain significance (1 of 4 stars; one submission).

Conditions:
Inborn genetic diseases. Identifiers: MedGen C0950123, MeSH D030342.

Submission:

Ambry Genetics
Classification: Uncertain significance for Inborn genetic diseases. Last evaluated: 2021-03-22. Review status: criteria provided, single submitter. Criteria: Ambry Variant Classification Scheme 2023. Collection method: clinical testing. Allele origin: germline.
Comment: The c.2545G>A (p.V849I) alteration is located in exon 26 (coding exon 26) of the CASK gene. This alteration results from a G to A substitution at nucleotide position 2545, causing the valine (V) at amino acid position 849 to be replaced by an isoleucine (I). The p.V849I alteration is predicted to be tolerated by in silico analysis. Based on insufficient or conflicting evidence, the clinical significance of this alteration remains unclear.